The following is an entry in ClinVar:

ClinVar aggregate classification (germline): Conflicting classifications of pathogenicity. Review status: criteria provided, conflicting classifications (1 of 4 stars). 3 submissions from 3 submitters: Uncertain significance (2); Benign (1). Last evaluated 2025-08-21.

Conditions:
Inborn genetic diseases. Identifiers: MedGen C0950123, MeSH D030342.
Occult macular dystrophy (OCMD). Also called: OCCULT MACULAR DYSTROPHY, SUSCEPTIBILITY TO; OMD. Identifiers: Orphanet 247834, MedGen C3150833, MONDO:0013316, OMIM 613587, HP:0030636.

Allele frequency attached by ClinVar (database versions not stated): ExAC 0.00002; TOPMed 0.00004; 1000 Genomes Project 0.00060; 1000 Genomes Project 30x 0.00094.
gnomAD v4.1: 41 of 1,612,464 alleles (0.0025%); highest among the groups gnomAD compares: Admixed American, 0.067%; no homozygotes.

Submissions (3):

Ambry Genetics
Classification: Uncertain significance for Inborn genetic diseases. Last evaluated: 2025-08-21. Review status: criteria provided, single submitter. Criteria: Ambry Variant Classification Scheme 2023. Collection method: clinical testing. Allele origin: germline.

Blueprint Genetics
Classification: Uncertain significance. Last evaluated: 2021-12-23. Review status: criteria provided, single submitter. Criteria: ACMG Guidelines, 2015. Collection method: clinical testing. Allele origin: germline.

Illumina Laboratory Services, Illumina
Classification: Benign for Occult macular dystrophy. Last evaluated: 2018-01-12. Review status: criteria provided, single submitter. Criteria: ICSL Variant Classification Criteria 13 December 2019. Collection method: clinical testing. Allele origin: germline.
Comment: This variant was observed in the ICSL laboratory as part of a predisposition screen in an ostensibly healthy population. It had not been previously curated by ICSL or reported in the Human Gene Mutation Database (HGMD: prior to June 1st, 2018), and was therefore a candidate for classification through an automated scoring system. Utilizing variant allele frequency, disease prevalence and penetrance estimates, and inheritance mode, an automated score was calculated to assess if this variant is too frequent to cause the disease. Based on the score and internal cut-off values, a variant classified as benign is not then subjected to further curation. The score for this variant resulted in a classification of benign for this disease.

NM_178857.6(RP1L1):c.3122G>C (p.Gly1041Ala)

Gene: RP1L1 (RP1 like 1). Cytogenetic location: 8p23.1.
Variant type: single nucleotide variant.
Coding change: c.3122G>C on transcript NM_178857.6 (MANE Select); coding-DNA position 3122, G replaced by C.
Protein change: p.Gly1041Ala; replaces glycine 1041 with alanine.
Molecular consequence: missense variant.
Genome position (GRCh38, 1-based): chr8:10,610,976, C>G on the plus strand (G>C on the coding strand, the complement: RP1L1 is on the minus strand). VCF-style: chr8-10610976-C-G. GRCh37 (hg19) VCF-style: chr8-10468486-C-G.
Other names: short protein forms G1041A.
Identifiers: ClinVar variation 908483 (VCV000908483.6), dbSNP rs570355453, ClinGen allele CA4624594.